The following is an entry in ClinVar:

ClinVar aggregate classification (germline): Uncertain significance (0 of 4 stars; one submission).

Conditions:
FLCN-related disorder. Also called: FLCN-related condition.

gnomAD v4.1: 4 of 1,613,696 alleles (0.00025%); highest among the groups gnomAD compares: Non-Finnish European, 0.00034%; no homozygotes.

Submission:

PreventionGenetics, part of Exact Sciences
Classification: Uncertain significance for FLCN-related condition. Last evaluated: 2024-07-16. Review status: no assertion criteria provided. Collection method: clinical testing. Allele origin: germline.
Comment: The FLCN c.1001G>A variant is predicted to result in the amino acid substitution p.Arg334Gln. To our knowledge, this variant has not been reported in the literature or in a large population database, indicating this variant is rare. At this time, the clinical significance of this variant is uncertain due to the absence of conclusive functional and genetic evidence.

NM_144997.7(FLCN):c.871+130G>A

Gene: FLCN (folliculin; minus strand). Cytogenetic location: 17p11.2.
Variant type: single nucleotide variant.
Coding change: c.871+130G>A on transcript NM_144997.7 (MANE Select); 130 bases into the intron after coding-DNA position 871, G replaced by A.
Molecular consequence: intron variant. On other transcripts: missense variant (1).
Genome position (GRCh38, 1-based): chr17:17,221,407, C>T on the plus strand (G>A on the coding strand, the complement: FLCN is on the minus strand). VCF-style: chr17-17221407-C-T. GRCh37 (hg19) VCF-style: chr17-17124721-C-T.
Other names: c.1001G>A, p.Arg334Gln (NM_144606.7); c.871+130G>A (NM_001353231.2, NM_001353230.2); c.925+130G>A (NM_001353229.2); short protein forms R334Q.
Identifiers: ClinVar variation 3354165 (VCV003354165.1).